The following is an entry in ClinVar:

NM_017777.4(MKS1):c.571G>A (p.Val191Ile)

Gene: MKS1 (MKS transition zone complex subunit 1; minus strand). Cytogenetic location: 17q22.
Variant type: single nucleotide variant.
Coding change: c.571G>A on transcript NM_017777.4 (MANE Select); coding-DNA position 571, G replaced by A.
Protein change: p.Val191Ile; replaces valine 191 with isoleucine.
Molecular consequence: missense variant. On other transcripts: 5 prime UTR variant (1).
Genome position (GRCh38, 1-based): chr17:58,214,332, C>T on the plus strand (G>A on the coding strand, the complement: MKS1 is on the minus strand). VCF-style: chr17-58214332-C-T. GRCh37 (hg19) VCF-style: chr17-56291693-C-T.
Other names: c.-39G>A (NM_001321268.2); c.571G>A, p.Val191Ile (NM_001321269.2, NM_001330397.2, NM_001411113.1); short protein forms V191I.
Identifiers: ClinVar variation 4983142 (VCV004983142.1).

ClinVar aggregate classification (germline): Uncertain significance (1 of 4 stars; one submission).

Conditions:
MKS1-related disorder. Also called: MKS1-related disorders; MKS1-related condition. Identifiers: MedGen CN239382.

Submission:

PreventionGenetics, part of Exact Sciences
Classification: Uncertain significance for MKS1-related condition. Last evaluated: 2025-03-18. Review status: criteria provided, single submitter. Criteria: ACMG Guidelines, 2015. Collection method: clinical testing. Allele origin: germline.
Comment: The MKS1 c.571G>A variant is predicted to result in the amino acid substitution p.Val191Ile. To our knowledge, this variant has not been reported in the literature. This variant is reported in 0.0065% of alleles in individuals of South Asian descent in gnomAD. At this time, the clinical significance of this variant is uncertain due to the absence of conclusive functional and genetic evidence.